The following is an entry in ClinVar:

NM_000038.6(APC):c.3485A>G (p.Tyr1162Cys)

Gene: APC (APC regulator of Wnt signaling pathway; plus strand). Cytogenetic location: 5q22.2.
Variant type: single nucleotide variant.
Coding change: c.3485A>G on transcript NM_000038.6 (MANE Select); coding-DNA position 3485, A replaced by G.
Protein change: p.Tyr1162Cys; replaces tyrosine 1162 with cysteine.
Molecular consequence: missense variant.
Genome position (GRCh38, 1-based): chr5:112,839,079, A>G. VCF-style: chr5-112839079-A-G. GRCh37 (hg19) VCF-style: chr5-112174776-A-G.
Other names: c.3485A>G, p.Tyr1162Cys (NM_001127510.3, NM_001354895.2); c.3431A>G, p.Tyr1144Cys (NM_001127511.3); c.3539A>G, p.Tyr1180Cys (NM_001354896.2); c.3515A>G, p.Tyr1172Cys (NM_001354897.2); c.3410A>G, p.Tyr1137Cys (NM_001354898.2); c.3401A>G, p.Tyr1134Cys (NM_001354899.2); c.3362A>G, p.Tyr1121Cys (NM_001354900.2); c.3308A>G, p.Tyr1103Cys (NM_001354901.2); and 5 more; short protein forms Y1144C, Y1162C, Y1036C, Y1061C, Y1121C, Y1137C, Y1180C, Y879C.
Identifiers: ClinVar variation 627923 (VCV000627923.19), dbSNP rs1289027772, ClinGen allele CA16028980.

ClinVar aggregate classification (germline): Uncertain significance. Review status: criteria provided, multiple submitters, no conflicts (2 of 4 stars). 5 submissions from 5 submitters: Uncertain significance (5). Last evaluated 2024-11-18.

Conditions:
Hereditary cancer-predisposing syndrome. Also called: Neoplastic Syndromes, Hereditary; Tumor predisposition; Hereditary neoplastic syndrome; Hereditary Cancer Syndrome. Identifiers: Orphanet 140162, MedGen C0027672, MeSH D009386, MONDO:0015356.
Familial adenomatous polyposis 1 (FAP1). Also called: POLYPOSIS, ADENOMATOUS INTESTINAL; FAMILIAL ADENOMATOUS POLYPOSIS 1, ATTENUATED. Identifiers: MedGen C2713442, MONDO:0021056, OMIM 175100. Disease mechanism: loss of function.

gnomAD v4.1: 1 of 1,614,164 alleles (0.000062%); highest among the groups gnomAD compares: African/African-American, 0.0013%; no homozygotes.

Submissions (5):

Color Diagnostics, LLC DBA Color Health
Classification: Uncertain significance for Hereditary cancer-predisposing syndrome. Last evaluated: 2024-11-18. Review status: criteria provided, single submitter. Criteria: ACMG Guidelines, 2015. Collection method: clinical testing. Allele origin: germline.
Comment: This missense variant replaces tyrosine with cysteine at codon 1162 of the APC protein. Computational prediction is inconclusive regarding the impact of this variant on protein structure and function (internally defined REVEL score threshold 0.5 < inconclusive < 0.7, PMID: 27666373). To our knowledge, functional studies have not been reported for this variant. This variant has not been reported in individuals affected with APC-related disorders in the literature. This variant has not been identified in the general population by the Genome Aggregation Database (gnomAD). The available evidence is insufficient to determine the role of this variant in disease conclusively. Therefore, this variant is classified as a Variant of Uncertain Significance.

Baylor Genetics
Classification: Uncertain significance for Familial adenomatous polyposis 1. Last evaluated: 2023-12-06. Review status: criteria provided, single submitter. Criteria: ACMG Guidelines, 2015. Collection method: clinical testing. Allele origin: unknown.

Ambry Genetics
Classification: Uncertain significance for Hereditary cancer-predisposing syndrome. Last evaluated: 2023-10-27. Review status: criteria provided, single submitter. Criteria: Ambry Variant Classification Scheme 2023. Collection method: clinical testing. Allele origin: germline.
Comment: The p.Y1162C variant (also known as c.3485A>G), located in coding exon 15 of the APC gene, results from an A to G substitution at nucleotide position 3485. The tyrosine at codon 1162 is replaced by cysteine, an amino acid with highly dissimilar properties. This amino acid position is conserved. In addition, in silico predictors for this gene do not accurately predict pathogenicity. Since supporting evidence is limited at this time, the clinical significance of this alteration remains unclear.

St. Jude Molecular Pathology, St. Jude Children's Research Hospital
Classification: Uncertain significance for Familial adenomatous polyposis 1. Last evaluated: 2021-10-28. Review status: criteria provided, single submitter. Criteria: St. Jude Assertion Criteria 2020. Collection method: clinical testing. Allele origin: germline.
Comment: The APC c.3485A>G (p.Tyr1162Cys) missense change is absent in gnomAD v2.1.1 (PM2_supporting). Five of six in silico tools predict a deleterious effect of this variant on protein function (PP3), but to our knowledge these predictions have not been confirmed by functional assays. To our knowledge, this variant has not been reported in individuals with familial adenomatous polyposis. In summary, this variant meets criteria to be classified as of uncertain significance based on the ACMG/AMP criteria: PM2_supporting, PP3.

Labcorp Genetics (formerly Invitae), Labcorp
Classification: Uncertain significance for Familial adenomatous polyposis 1. Last evaluated: 2020-12-07. Review status: criteria provided, single submitter. Criteria: Invitae Variant Classification Sherloc (09022015). Collection method: clinical testing. Allele origin: germline.
Comment: This sequence change replaces tyrosine with cysteine at codon 1162 of the APC protein (p.Tyr1162Cys). The tyrosine residue is highly conserved and there is a large physicochemical difference between tyrosine and cysteine. In summary, the available evidence is currently insufficient to determine the role of this variant in disease. Therefore, it has been classified as a Variant of Uncertain Significance. Algorithms developed to predict the effect of missense changes on protein structure and function are either unavailable or do not agree on the potential impact of this missense change (SIFT: "Deleterious"; PolyPhen-2: "Probably Damaging"; Align-GVGD: "Class C0"). This variant has not been reported in the literature in individuals with APC-related conditions. ClinVar contains an entry for this variant (Variation ID: 627923). This variant is not present in population databases (ExAC no frequency).